The following is an entry in ClinVar:

ClinVar aggregate classification (germline): Uncertain significance. Review status: criteria provided, multiple submitters, no conflicts (2 of 4 stars). 4 submissions from 4 submitters: Uncertain significance (4). Last evaluated 2025-06-09.

Conditions:
Hereditary cancer-predisposing syndrome. Also called: Neoplastic Syndromes, Hereditary; Hereditary Cancer Syndrome; Tumor predisposition; Hereditary neoplastic syndrome. Identifiers: Orphanet 140162, MedGen C0027672, MeSH D009386, MONDO:0015356.
Tuberous sclerosis syndrome (TSC). Also called: Tuberous Sclerosis Complex; Tuberous sclerosis. Identifiers: Orphanet 805, MedGen C0041341, MONDO:0001734.
Tuberous sclerosis 2 (TSC2). Identifiers: Orphanet 805, MedGen C1860707, MONDO:0013199, OMIM 613254.

Allele frequency attached by ClinVar (database versions not stated): TOPMed below 0.00001.

Submissions (4):

Labcorp Genetics (formerly Invitae), Labcorp
Classification: Uncertain significance for Tuberous sclerosis 2. Last evaluated: 2025-06-09. Review status: criteria provided, single submitter. Criteria: Invitae Variant Classification Sherloc (09022015). Collection method: clinical testing. Allele origin: germline.
Comment: This sequence change replaces histidine, which is basic and polar, with tyrosine, which is neutral and polar, at codon 523 of the TSC2 protein (p.His523Tyr). This variant is not present in population databases (gnomAD no frequency). This variant has not been reported in the literature in individuals affected with TSC2-related conditions. ClinVar contains an entry for this variant (Variation ID: 581779). Invitae Evidence Modeling of protein sequence and biophysical properties (such as structural, functional, and spatial information, amino acid conservation, physicochemical variation, residue mobility, and thermodynamic stability) indicates that this missense variant is not expected to disrupt TSC2 protein function with a negative predictive value of 95%. In summary, the available evidence is currently insufficient to determine the role of this variant in disease. Therefore, it has been classified as a Variant of Uncertain Significance.

All of Us Research Program, National Institutes of Health
Classification: Uncertain significance for Tuberous sclerosis syndrome. Last evaluated: 2024-08-13. Review status: criteria provided, single submitter. Criteria: ACMG Guidelines, 2015. Collection method: clinical testing. Allele origin: germline. Inheritance: Autosomal dominant inheritance. Observed: 3 variant alleles, 3 heterozygotes.
Comment: This missense variant replaces histidine with tyrosine at codon 523 of the TSC2 protein. Computational prediction suggests that this variant may not impact protein structure and function (internally defined REVEL score threshold <= 0.5, PMID: 27666373). To our knowledge, functional studies have not been reported for this variant. This variant has not been reported in individuals affected with tuberous sclerosis complex in the literature. This variant has not been identified in the general population by the Genome Aggregation Database (gnomAD). The available evidence is insufficient to determine the role of this variant in disease conclusively. Therefore, this variant is classified as a Variant of Uncertain Significance.

This study involves interpretation of variants in research participants for the purpose of population health screening. Participant phenotype was not available at the time of variant classification. Additional details can be found in publication PMID: 35346344, PMCID: PMC8962531

Ambry Genetics
Classification: Uncertain significance for Hereditary cancer-predisposing syndrome. Last evaluated: 2024-03-07. Review status: criteria provided, single submitter. Criteria: Ambry Variant Classification Scheme 2023. Collection method: clinical testing. Allele origin: germline.
Comment: The p.H523Y variant (also known as c.1567C>T), located in coding exon 14 of the TSC2 gene, results from a C to T substitution at nucleotide position 1567. The histidine at codon 523 is replaced by tyrosine, an amino acid with similar properties. This amino acid position is conserved. In addition, this alteration is predicted to be deleterious by in silico analysis. Since supporting evidence is limited at this time, the clinical significance of this alteration remains unclear.

GeneDx
Classification: Uncertain significance. Last evaluated: 2024-02-27. Review status: criteria provided, single submitter. Criteria: GeneDx Variant Classification Process June 2021. Collection method: clinical testing. Allele origin: germline. Affected: yes.
Comment: Not observed at significant frequency in large population cohorts (gnomAD); In silico analysis supports that this missense variant has a deleterious effect on protein structure/function; Has not been previously published as pathogenic or benign to our knowledge

NM_000548.5(TSC2):c.1567C>T (p.His523Tyr)

Gene: TSC2 (TSC complex subunit 2; plus strand). Cytogenetic location: 16p13.3.
Variant type: single nucleotide variant.
Coding change: c.1567C>T on transcript NM_000548.5 (MANE Select); coding-DNA position 1567, C replaced by T.
Protein change: p.His523Tyr; replaces histidine 523 with tyrosine.
Molecular consequence: missense variant.
Genome position (GRCh38, 1-based): chr16:2,064,395, C>T. VCF-style: chr16-2064395-C-T. GRCh37 (hg19) VCF-style: chr16-2114396-C-T.
Other names: c.1567C>T, p.His523Tyr (NM_001077183.3, NM_001114382.3, NM_001363528.2 and 3 more transcripts); c.1456C>T, p.His486Tyr (NM_001318827.2); c.1420C>T, p.His474Tyr (NM_001318829.2); c.967C>T, p.His323Tyr (NM_001318831.2); c.1600C>T, p.His534Tyr (NM_001318832.2); short protein forms H523Y, H534Y, H474Y, H486Y, H323Y.
Identifiers: ClinVar variation 581779 (VCV000581779.13), dbSNP rs1567438108, ClinGen allele CA394326592.